The following is an entry in ClinVar:

ClinVar aggregate classification (germline): Uncertain significance. Review status: criteria provided, multiple submitters, no conflicts (2 of 4 stars). 2 submissions from 2 submitters: Uncertain significance (2). Last evaluated 2023-05-02.

Conditions:
Lowry-Wood syndrome (LWS). Identifiers: Orphanet 1824, MedGen C0796021, MONDO:0009191, OMIM 226960.
Roifman syndrome (RFMN). Also called: SPONDYLOEPIPHYSEAL DYSPLASIA, RETINAL DYSTROPHY, AND ANTIBODY DEFICIENCY. Identifiers: Orphanet 353298, MedGen C1846059, MONDO:0014722, OMIM 616651.
Osteodysplastic primordial dwarfism, type 1 (MOPD1). Also called: BRACHYMELIC PRIMORDIAL DWARFISM; MOPD I; Microcephalic Osteodysplastic Primordial Dwarfism, Type I; Microcephalic Osteodysplastic Primordial Dwarfism Type I/III (MOPDI) / Taybi-Linder Syndrome; MICROCEPHALIC OSTEODYSPLASTIC PRIMORDIAL DWARFISM, TYPE III; MOPD III. Identifiers: Orphanet 2636, MedGen C1859452, MONDO:0008871, OMIM 210710.

Allele frequency attached by ClinVar (database versions not stated): 1000 Genomes Project 30x 0.00016; 1000 Genomes Project 0.00020.
gnomAD v4.1: 92 of 694,142 alleles (0.013%); highest among the groups gnomAD compares: Non-Finnish European, 0.019%; no homozygotes.

Submissions (2):

Blueprint Genetics
Classification: Uncertain significance. Last evaluated: 2023-05-02. Review status: criteria provided, single submitter. Criteria: ACMG Guidelines, 2015. Collection method: clinical testing. Allele origin: germline.

Labcorp Genetics (formerly Invitae), Labcorp
Classification: Uncertain significance. Last evaluated: 2022-09-09. Review status: criteria provided, single submitter. Criteria: Invitae Variant Classification Sherloc (09022015). Collection method: clinical testing. Allele origin: germline.
Comment: This variant occurs in the RNU4ATAC gene, which encodes an RNA molecule that does not result in a protein product. This variant is present in population databases (rs543891782, gnomAD 0.02%). This variant has not been reported in the literature in individuals affected with RNU4ATAC-related conditions. ClinVar contains an entry for this variant (Variation ID: 1463667). Experimental studies and prediction algorithms are not available or were not evaluated, and the functional significance of this variant is currently unknown. In summary, the available evidence is currently insufficient to determine the role of this variant in disease. Therefore, it has been classified as a Variant of Uncertain Significance.

NC_000002.12:g.121530894T>C

Genes: CLASP1-AS1 (CLASP1 antisense RNA 1; plus strand), CLASP1 (cytoplasmic linker associated protein 1; minus strand), RNU4ATAC (RNA, U4atac small nuclear; plus strand). Cytogenetic location: 2q14.2.
Variant type: single nucleotide variant.
Molecular consequence: intron variant (on NM_001395891.1).
Genome position: GRCh38 VCF-style: chr2-121530894-T-C. GRCh37 (hg19) VCF-style: chr2-122288470-T-C.
Other names: c.196-569A>G (NM_001142274.2, NM_015282.3, NM_001378003.1 and 5 more transcripts).
Identifiers: ClinVar variation 1463667 (VCV001463667.5), dbSNP rs543891782, ClinGen allele CA54810770.